The following is an entry in ClinVar:

ClinVar aggregate classification (germline): Pathogenic. Review status: reviewed by expert panel (3 of 4 stars). 9 submissions from 9 submitters: Pathogenic (1). 8 of the submissions do not count toward it. Last evaluated 2016-09-08.

Conditions:
Hereditary cancer-predisposing syndrome. Also called: Hereditary Cancer Syndrome; Hereditary neoplastic syndrome; Neoplastic Syndromes, Hereditary; Tumor predisposition. Identifiers: Orphanet 140162, MedGen C0027672, MeSH D009386, MONDO:0015356.
Breast-ovarian cancer, familial, susceptibility to, 1 (BROVCA1). Also called: BRCA1 Hereditary Breast and Ovarian Cancer; OVARIAN CANCER, SUSCEPTIBILITY TO. Identifiers: Orphanet 145, MedGen C2676676, MONDO:0011450, OMIM 604370. Disease mechanism: loss of function.
Hereditary breast ovarian cancer syndrome. Also called: BRCA1- and BRCA2-Associated Hereditary Breast and Ovarian Cancer; Hereditary breast and ovarian cancer syndrome; Hereditary breast and ovarian cancer syndrome (HBOC); Breast and ovarian cancer; Hereditary breast and/or ovarian cancer syndrome; Hereditary breast and ovarian cancer. Identifiers: Orphanet 145, MedGen C0677776, MeSH D061325, MONDO:0003582. Disease mechanism: loss of function.

Submissions (9):

Evidence-based Network for the Interpretation of Germline Mutant Alleles (ENIGMA)
Classification: Pathogenic for Breast-ovarian cancer, familial, susceptibility to, 1. Last evaluated: 2016-09-08. Review status: reviewed by expert panel. Criteria: ENIGMA BRCA1/2 Classification Criteria (2015). Collection method: curation. Allele origin: germline.
Comment: Variant allele predicted to encode a truncated non-functional protein.

Labcorp Genetics (formerly Invitae), Labcorp
Classification: Pathogenic for Hereditary breast ovarian cancer syndrome. Last evaluated: 2024-09-23. Review status: criteria provided, single submitter. Criteria: Invitae Variant Classification Sherloc (09022015). Collection method: clinical testing. Allele origin: germline. Not counted in ClinVar's aggregate classification.
Comment: This sequence change creates a premature translational stop signal (p.Asn13Serfs*9) in the BRCA1 gene. It is expected to result in an absent or disrupted protein product. Loss-of-function variants in BRCA1 are known to be pathogenic (PMID: 20104584). This variant is not present in population databases (gnomAD no frequency). This premature translational stop signal has been observed in individual(s) with clinical features of BRCA1-related conditions (PMID: 10923033). This variant is also known as c.156del4. ClinVar contains an entry for this variant (Variation ID: 55010). For these reasons, this variant has been classified as Pathogenic.

Baylor Genetics
Classification: Pathogenic for Breast-ovarian cancer, familial, susceptibility to, 1. Last evaluated: 2024-01-30. Review status: criteria provided, single submitter. Criteria: ACMG Guidelines, 2015. Collection method: clinical testing. Allele origin: unknown. Not counted in ClinVar's aggregate classification.

Color Diagnostics, LLC DBA Color Health
Classification: Pathogenic for Hereditary cancer-predisposing syndrome. Last evaluated: 2023-06-13. Review status: criteria provided, single submitter. Criteria: ACMG Guidelines, 2015. Collection method: clinical testing. Allele origin: germline. Not counted in ClinVar's aggregate classification.
Comment: This variant deletes 4 nucleotides in exon 2 of the BRCA1 gene, creating a frameshift and premature translation stop signal. This variant is expected to result in an absent or non-functional protein product. This variant has not been reported in individuals with personal and/or family history of breast and ovarian cancer (PMID: 30430080, 31853058). This variant has not been identified in the general population by the Genome Aggregation Database (gnomAD). Loss of BRCA1 function is a known mechanism of disease. Based on the available evidence, this variant is classified as Pathogenic.

Ambry Genetics
Classification: Pathogenic for Hereditary cancer-predisposing syndrome. Last evaluated: 2020-04-10. Review status: criteria provided, single submitter. Criteria: Ambry Variant Classification Scheme 2023. Collection method: clinical testing. Allele origin: germline. Not counted in ClinVar's aggregate classification.
Comment: The c.37_40delAATG pathogenic mutation, located in coding exon 1 of the BRCA1 gene, results from a deletion of 4 nucleotides at nucleotide positions 37 to 40, causing a translational frameshift with a predicted alternate stop codon (p.N13Sfs*9). This alteration is expected to result in loss of function by premature protein truncation or nonsense-mediated mRNA decay. As such, this alteration is interpreted as a disease-causing mutation.

Quest Diagnostics Nichols Institute San Juan Capistrano
Classification: Pathogenic. Last evaluated: 2019-02-25. Review status: criteria provided, single submitter. Criteria: Quest Diagnostics criteria. Collection method: clinical testing. Allele origin: germline. Not counted in ClinVar's aggregate classification.
Comment: The variant results in a shift of the reading frame, and is therefore predicted to result in the loss of a functional protein. Found in at least one symptomatic patient, and not found in general population data.

GeneDx
Classification: Pathogenic. Last evaluated: 2017-11-28. Review status: criteria provided, single submitter. Criteria: GeneDx Variant Classification (06012015). Collection method: clinical testing. Allele origin: germline. Affected: yes. Not counted in ClinVar's aggregate classification.
Comment: This deletion of four nucleotides in BRCA1 is denoted c.37_40delAATG at the cDNA level and p.Asn13SerfsX9 (N13SfsX9) at the protein level. The normal sequence, with the bases that are deleted in brackets, is ACAA[delAATG]TCAT. The deletion causes a frameshift which changes an Asparagine to a Serine at codon 13, and creates a premature stop codon at position 9 of the new reading frame. This variant is predicted to cause loss of normal protein function through either protein truncation or nonsense-mediated mRNA decay. BRCA1 c.37_40delAATG, also denoted156del4 using alternate nomenclature, has been reported in association with hereditary breast and ovarian cancer (Judkins 2005). We consider this variant to be pathogenic.

Research Molecular Genetics Laboratory, Women's College Hospital, University of Toronto
Classification: Pathogenic for Hereditary breast ovarian cancer syndrome. Last evaluated: 2014-01-31. Review status: no assertion criteria provided. Collection method: research. Allele origin: germline. Affected: yes. Study: The Canadian Open Genetics Repository (COGR). Not counted in ClinVar's aggregate classification.

Breast Cancer Information Core (BIC) (BRCA1)
Classification: Pathogenic for Breast-ovarian cancer, familial 1. Last evaluated: 2004-11-25. Review status: no assertion criteria provided. Collection method: clinical testing. Allele origin: germline. Affected: yes. Observed: 1 variant allele. Not counted in ClinVar's aggregate classification.

Literature cited by the submitters: PubMed 20104584 (cited by Labcorp Genetics (formerly Invitae), Labcorp); PubMed 10923033 (cited by Labcorp Genetics (formerly Invitae), Labcorp); PubMed 30430080 (cited by Color Diagnostics, LLC DBA Color Health and Quest Diagnostics Nichols Institute San Juan Capistrano); PubMed 31853058 (cited by Color Diagnostics, LLC DBA Color Health); PubMed 16267036 (cited by Quest Diagnostics Nichols Institute San Juan Capistrano).

NM_007294.4(BRCA1):c.37_40del (p.Asn13fs)

Gene: BRCA1 (BRCA1 DNA repair associated; minus strand). Cytogenetic location: 17q21.31.
Variant type: Deletion.
Coding change: c.37_40del on transcript NM_007294.4 (MANE Select); coding-DNA positions 37 to 40, 4 bases deleted (AATG; older notation c.37_40delAATG).
Protein change: p.Asn13fs; shifts the reading frame from asparagine 13.
Molecular consequence: frameshift variant. On other transcripts: 5 prime UTR variant (1), non-coding transcript variant (1).
Genome position (GRCh38, 1-based): chr17:43,124,057-43,124,060, CATT deleted on the plus strand (AATG on the coding strand, the reverse complement: BRCA1 is on the minus strand). VCF-style (leftmost placement, unchanged base first): chr17-43124056-ACATT-A. GRCh37 (hg19) VCF-style: chr17-41276073-ACATT-A.
Other names: 156del4; c.37_40delAATG, p.Asn13Serfs (NM_001408429.1, NM_001408430.1, NM_001408431.1 and 192 more transcripts); c.-152_-149delAATG (NM_001407571.1, NM_001408478.1, NM_001408479.1 and 46 more transcripts); c.-224_-221delAATG (NM_001408452.1, NM_001408462.1, NM_001408463.1 and 22 more transcripts); c.-51_-48delAATG (NM_001408454.1, NM_001408459.1, NM_001408460.1 and 22 more transcripts); c.-221_-218delAATG (NM_001408455.1, NM_001408456.1, NM_001408468.1 and 11 more transcripts); c.-225_-222delAATG (NM_001408465.1, NM_001407695.1); c.-297_-294delAATG (NM_001408482.1); and 11 more; short protein forms N13fs.
Identifiers: ClinVar variation 55010 (VCV000055010.21), dbSNP rs80357530, ClinGen allele CA002398.